The following is an entry in ClinVar:

NM_004958.4(MTOR):c.790G>A (p.Ala264Thr)

Gene: MTOR (mechanistic target of rapamycin kinase; minus strand). Cytogenetic location: 1p36.22.
Variant type: single nucleotide variant.
Coding change: c.790G>A on transcript NM_004958.4 (MANE Select); coding-DNA position 790, G replaced by A.
Protein change: p.Ala264Thr; replaces alanine 264 with threonine.
Molecular consequence: missense variant. On other transcripts: 5 prime UTR variant (1).
Genome position (GRCh38, 1-based): chr1:11,253,889, C>T on the plus strand (G>A on the coding strand, the complement: MTOR is on the minus strand). VCF-style: chr1-11253889-C-T. GRCh37 (hg19) VCF-style: chr1-11313946-C-T.
Other names: c.790G>A, p.Ala264Thr (NM_001386500.1); c.-350G>A (NM_001386501.1); short protein forms A264T.
Identifiers: ClinVar variation 2703460 (VCV002703460.3), dbSNP rs1276821778, ClinGen allele CA338401370.
Genomic context (GRCh38, chr1:11,253,889, plus strand): 5'-GGCTTCTCACCTCTCCCTCCATGCTGCTGATTCGGACCAGCTCGTTAAGGATCAACAAGG[C>T]TCCATGGATCCGATCATCCCGATTCATGCCCTTCTCTTTGGCCAAGGTCTCATCAAATCC-3'
Protein context (NP_004949.1, residues 254-274): GMNRDDRIHG[Ala264Thr]LLILNELVRI

ClinVar aggregate classification (germline): Uncertain significance (1 of 4 stars; one submission).

Submission:

Labcorp Genetics (formerly Invitae), Labcorp
Classification: Uncertain significance. Last evaluated: 2025-07-07. Review status: criteria provided, single submitter. Criteria: Invitae Variant Classification Sherloc (09022015). Collection method: clinical testing. Allele origin: germline.
Comment: This sequence change replaces alanine, which is neutral and non-polar, with threonine, which is neutral and polar, at codon 264 of the MTOR protein (p.Ala264Thr). This variant is present in population databases (no rsID available, gnomAD 0.006%). This variant has not been reported in the literature in individuals affected with MTOR-related conditions. ClinVar contains an entry for this variant (Variation ID: 2703460). Invitae Evidence Modeling of protein sequence and biophysical properties (such as structural, functional, and spatial information, amino acid conservation, physicochemical variation, residue mobility, and thermodynamic stability) indicates that this missense variant is not expected to disrupt MTOR protein function with a negative predictive value of 95%. In summary, the available evidence is currently insufficient to determine the role of this variant in disease. Therefore, it has been classified as a Variant of Uncertain Significance.